The following is an entry in ClinVar:

ClinVar aggregate classification (germline): Pathogenic (1 of 4 stars; one submission).

Submission:

Labcorp Genetics (formerly Invitae), Labcorp
Classification: Pathogenic. Last evaluated: 2023-06-07. Review status: criteria provided, single submitter. Criteria: Invitae Variant Classification Sherloc (09022015). Collection method: clinical testing. Allele origin: germline.
Comment: For these reasons, this variant has been classified as Pathogenic. This variant has not been reported in the literature in individuals affected with DEAF1-related conditions. This variant is a gross deletion of the genomic region encompassing exon(s) 2 of the DEAF1 gene. This deletion is out-of-frame, and is expected to create a premature termination codon and result in an absent or disrupted protein product. Loss-of-function variants in DEAF1 are known to be pathogenic (PMID: 30923367).

Literature cited by the submitters: PubMed 30923367.

NC_000011.9:g.(?_691481)_(691618_?)del

Gene: DEAF1 (DEAF1 transcription factor; minus strand). Cytogenetic location: 11p15.5.
Variant type: Deletion.
Identifiers: ClinVar variation 1363866 (VCV001363866.4).